The following is an entry in ClinVar:

NM_025099.6(CTC1):c.3253G>A (p.Val1085Met)

Gene: CTC1 (CST telomere replication complex component 1; minus strand). Cytogenetic location: 17p13.1.
Variant type: single nucleotide variant.
Coding change: c.3253G>A on transcript NM_025099.6 (MANE Select); coding-DNA position 3253, G replaced by A.
Protein change: p.Val1085Met; replaces valine 1085 with methionine.
Molecular consequence: missense variant. On other transcripts: non-coding transcript variant (1).
Genome position (GRCh38, 1-based): chr17:8,228,861, C>T on the plus strand (G>A on the coding strand, the complement: CTC1 is on the minus strand). VCF-style: chr17-8228861-C-T. GRCh37 (hg19) VCF-style: chr17-8132179-C-T.
Other names: short protein forms V1085M.
Identifiers: ClinVar variation 638997 (VCV000638997.11), dbSNP rs1209523245, ClinGen allele CA397969382.

ClinVar aggregate classification (germline): Conflicting classifications of pathogenicity. Review status: criteria provided, conflicting classifications (1 of 4 stars). 3 submissions from 3 submitters: Uncertain significance (2); Likely benign (1). Last evaluated 2026-04-27.

Conditions:
Dyskeratosis congenita. Identifiers: Orphanet 1775, MedGen C0265965, MONDO:0015780.
Inborn genetic diseases. Identifiers: MedGen C0950123, MeSH D030342.

gnomAD v4.1: 7 of 1,613,730 alleles (0.00043%); highest among the groups gnomAD compares: African/African-American, 0.0027%; no homozygotes.

Submissions (3):

Ambry Genetics
Classification: Likely benign for Inborn genetic diseases. Last evaluated: 2026-04-27. Review status: criteria provided, single submitter. Criteria: Ambry Variant Classification Scheme 2023. Collection method: clinical testing. Allele origin: germline.

Labcorp Genetics (formerly Invitae), Labcorp
Classification: Uncertain significance for Dyskeratosis congenita. Last evaluated: 2025-11-20. Review status: criteria provided, single submitter. Criteria: Invitae Variant Classification Sherloc (09022015). Collection method: clinical testing. Allele origin: germline.
Comment: This sequence change replaces valine, which is neutral and non-polar, with methionine, which is neutral and non-polar, at codon 1085 of the CTC1 protein (p.Val1085Met). This variant is present in population databases (no rsID available, gnomAD 0.007%). This variant has not been reported in the literature in individuals affected with CTC1-related conditions. ClinVar contains an entry for this variant (Variation ID: 638997). Invitae Evidence Modeling of protein sequence and biophysical properties (such as structural, functional, and spatial information, amino acid conservation, physicochemical variation, residue mobility, and thermodynamic stability) indicates that this missense variant is not expected to disrupt CTC1 protein function with a negative predictive value of 80%. In summary, the available evidence is currently insufficient to determine the role of this variant in disease. Therefore, it has been classified as a Variant of Uncertain Significance.

Sema4
Classification: Uncertain significance for Dyskeratosis congenita. Last evaluated: 2021-12-16. Review status: criteria provided, single submitter. Criteria: Sema4 Curation Guidelines. Collection method: curation. Allele origin: germline.
Comment: The CTC1 c.3253G>A (p.V1085M) variant has not been reported in the literature to our knowledge. This variant was observed in 1/15472 chromosomes of the African/African American subpopulation according to the Genome Aggregation Database (PMID: 32461654). This variant has been reported in ClinVar (Variation ID: 638997). Functional studies have not been performed, and in silico predictions of the variant's effect on protein function are inconclusive. The evidence is insufficient to meet ACMG/AMP criteria for classifying the variant as benign or pathogenic. Thus, the clinical significance of this variant is currently uncertain.